The following is an entry in ClinVar:

NM_000487.6(ARSA):c.1137G>A (p.Pro379=)

Gene: ARSA (arylsulfatase A; minus strand). Cytogenetic location: 22q13.33.
Variant type: single nucleotide variant.
Coding change: c.1137G>A on transcript NM_000487.6 (MANE Select); coding-DNA position 1137, G replaced by A.
Protein change: p.Pro379=; no amino-acid change (proline 379 retained).
Molecular consequence: synonymous variant.
Genome position (GRCh38, 1-based): chr22:50,625,652, C>T on the plus strand (G>A on the coding strand, the complement: ARSA is on the minus strand). VCF-style: chr22-50625652-C-T. GRCh37 (hg19) VCF-style: chr22-51064080-C-T.
Other names: c.1137G>A (NM_000487.5); c.1137G>A, p.Pro379= (NM_001085425.3, NM_001085426.3, NM_001085427.3); c.879G>A, p.Pro293= (NM_001085428.3, NM_001362782.2).
Identifiers: ClinVar variation 1101783 (VCV001101783.39), dbSNP rs372869650, ClinGen allele CA10324807.

ClinVar aggregate classification (germline): Likely benign. Review status: criteria provided, multiple submitters, no conflicts (2 of 4 stars). 3 submissions from 3 submitters: Likely benign (3). Last evaluated 2025-06-17.

Conditions:
Metachromatic leukodystrophy (MLD). Also called: Arylsulfatase A Deficiency; SULFATIDE LIPIDOSIS; ARSA DEFICIENCY; Cerebral sclerosis diffuse metachromatic form; CEREBROSIDE SULFATASE DEFICIENCY; METACHROMATIC LEUKOENCEPHALOPATHY. Identifiers: Orphanet 512, MedGen C0023522, MONDO:0018868, OMIM 250100.
Inborn genetic diseases. Identifiers: MedGen C0950123, MeSH D030342.

Allele frequency attached by ClinVar (database versions not stated): ESP Exome Variant Server 0.00008; gnomAD 0.00001; ExAC 0.00002; gnomAD exomes 0.00002; TOPMed 0.00002.

Submissions (3):

Labcorp Genetics (formerly Invitae), Labcorp
Classification: Likely benign for Metachromatic leukodystrophy. Last evaluated: 2025-06-17. Review status: criteria provided, single submitter. Criteria: Invitae Variant Classification Sherloc (09022015). Collection method: clinical testing. Allele origin: germline.

Ambry Genetics
Classification: Likely benign for Inborn genetic diseases. Last evaluated: 2025-03-30. Review status: criteria provided, single submitter. Criteria: Ambry Variant Classification Scheme 2023. Collection method: clinical testing. Allele origin: germline.

CeGaT Center for Human Genetics Tuebingen
Classification: Likely benign. Last evaluated: 2022-05-01. Review status: criteria provided, single submitter. Criteria: CeGaT Center For Human Genetics Tuebingen Variant Classification Criteria Version 2. Collection method: clinical testing. Allele origin: germline. Affected: yes. Observed: 1 variant allele.
Comment: ARSA: BP4, BP7